The following is an entry in ClinVar:

ClinVar aggregate classification (germline): Uncertain significance (1 of 4 stars; one submission).

Conditions:
DYRK1A-related intellectual disability syndrome (MRD7). Also called: DYRK1A Syndrome; Intellectual developmental disorder, autosomal dominant 7. Identifiers: Orphanet 464306, MedGen C5568143, MONDO:0013578, OMIM 614104.

Submission:

Labcorp Genetics (formerly Invitae), Labcorp
Classification: Uncertain significance for DYRK1A-related intellectual disability syndrome. Last evaluated: 2022-07-14. Review status: criteria provided, single submitter. Criteria: Invitae Variant Classification Sherloc (09022015). Collection method: clinical testing. Allele origin: germline.
Comment: In summary, the available evidence is currently insufficient to determine the role of this variant in disease. Therefore, it has been classified as a Variant of Uncertain Significance. Advanced modeling of protein sequence and biophysical properties (such as structural, functional, and spatial information, amino acid conservation, physicochemical variation, residue mobility, and thermodynamic stability) performed at Invitae indicates that this missense variant is not expected to disrupt DYRK1A protein function. This variant has not been reported in the literature in individuals affected with DYRK1A-related conditions. This variant is not present in population databases (gnomAD no frequency). This sequence change replaces threonine, which is neutral and polar, with serine, which is neutral and polar, at codon 271 of the DYRK1A protein (p.Thr271Ser).

NM_001347721.2(DYRK1A):c.785C>G (p.Thr262Ser)

Gene: DYRK1A (dual specificity tyrosine phosphorylation regulated kinase 1A; plus strand). Cytogenetic location: 21q22.13.
Variant type: single nucleotide variant.
Coding change: c.785C>G on transcript NM_001347721.2 (MANE Select); coding-DNA position 785, C replaced by G.
Protein change: p.Thr262Ser; replaces threonine 262 with serine.
Molecular consequence: missense variant.
Genome position (GRCh38, 1-based): chr21:37,490,322, C>G. VCF-style: chr21-37490322-C-G. GRCh37 (hg19) VCF-style: chr21-38862624-C-G.
Other names: c.785C>G, p.Thr262Ser (NM_001347722.2, NM_130436.2); c.698C>G, p.Thr233Ser (NM_001347723.2); c.812C>G, p.Thr271Ser (NM_001396.5, NM_101395.2, NM_130438.2); short protein forms T262S, T271S, T233S.
Identifiers: ClinVar variation 2013487 (VCV002013487.4), dbSNP rs2518028196, ClinGen allele CA409947616.